The following is an entry in ClinVar:

NM_052854.4(CREB3L1):c.565G>A (p.Glu189Lys)

Gene: CREB3L1 (cAMP responsive element binding protein 3 like 1; plus strand). Cytogenetic location: 11p11.2.
Variant type: single nucleotide variant.
Coding change: c.565G>A on transcript NM_052854.4 (MANE Select); coding-DNA position 565, G replaced by A.
Protein change: p.Glu189Lys; replaces glutamic acid 189 with lysine.
Molecular consequence: missense variant.
Genome position (GRCh38, 1-based): chr11:46,310,037, G>A. VCF-style: chr11-46310037-G-A. GRCh37 (hg19) VCF-style: chr11-46331588-G-A.
Other names: short protein forms E189K.
Identifiers: ClinVar variation 1384575 (VCV001384575.5), dbSNP rs775284651, ClinGen allele CA5961619.

ClinVar aggregate classification (germline): Uncertain significance (1 of 4 stars; one submission).

Allele frequency attached by ClinVar (database versions not stated): gnomAD 0.00002; gnomAD exomes 0.00002 and 0.00004; TOPMed 0.00003; ExAC 0.00004.
gnomAD v4.1: 65 of 1,601,964 alleles (0.0041%); highest among the groups gnomAD compares: Non-Finnish European, 0.0054%; no homozygotes.

Submission:

Labcorp Genetics (formerly Invitae), Labcorp
Classification: Uncertain significance. Last evaluated: 2022-02-04. Review status: criteria provided, single submitter. Criteria: Invitae Variant Classification Sherloc (09022015). Collection method: clinical testing. Allele origin: germline.
Comment: This sequence change replaces glutamic acid, which is acidic and polar, with lysine, which is basic and polar, at codon 189 of the CREB3L1 protein (p.Glu189Lys). This variant is present in population databases (rs775284651, gnomAD 0.003%). This variant has not been reported in the literature in individuals affected with CREB3L1-related conditions. Algorithms developed to predict the effect of missense changes on protein structure and function (SIFT, PolyPhen-2, Align-GVGD) all suggest that this variant is likely to be tolerated. In summary, the available evidence is currently insufficient to determine the role of this variant in disease. Therefore, it has been classified as a Variant of Uncertain Significance.